The following is an entry in ClinVar:

ClinVar aggregate classification (germline): Uncertain significance (1 of 4 stars; one submission).

Conditions:
Genetic non-acquired premature ovarian failure. Identifiers: Orphanet 485382, MedGen C5925042.

Submission:

MVZ Praenatalmedizin und Genetik Nuernberg
Classification: Uncertain significance for Genetic non-acquired premature ovarian failure. Last evaluated: 2025-03-12. Review status: criteria provided, single submitter. Criteria: ACMG Guidelines, 2015. Collection method: clinical testing. Allele origin: germline. Affected: yes.
Comment: Computer-based predictions (in silico) conducted for this purpose have resulted in a unclear assessment of the variant. We consider this variant to be a variant of unknown significance.

NM_021913.5(AXL):c.1717A>C (p.Ile573Leu)

Gene: AXL (AXL receptor tyrosine kinase; plus strand). Cytogenetic location: 19q13.2.
Variant type: single nucleotide variant.
Coding change: c.1717A>C on transcript NM_021913.5 (MANE Select); coding-DNA position 1717, A replaced by C.
Protein change: p.Ile573Leu; replaces isoleucine 573 with leucine.
Molecular consequence: missense variant.
Genome position (GRCh38, 1-based): chr19:41,252,356, A>C. VCF-style: chr19-41252356-A-C. GRCh37 (hg19) VCF-style: chr19-41758261-A-C.
Other names: c.913A>C, p.Ile305Leu (NM_001278599.2); c.1690A>C, p.Ile564Leu (NM_001699.6); short protein forms I305L, I564L, I573L.
Identifiers: ClinVar variation 4813446 (VCV004813446.1).
Genomic context (GRCh38, chr19:41,252,356, plus strand): 5'-GGGAGAGTCCTCCCTCTCCTCCCCTCCTCCTCACGACCTTTCTCTCTCCCTCAAGTTGCC[A>C]TCTGCACGAGGTCAGAGCTGGAGGATTTCCTGAGTGAAGCGGTCTGCATGAAGGAATTTG-3'
Protein context (NP_068713.2, residues 563-583): KVAVKTMKIA[Ile573Leu]CTRSELEDFL